The following is an entry in ClinVar:

NM_002181.4(IHH):c.*175C>G

Gene: IHH (Indian hedgehog signaling molecule; minus strand). Cytogenetic location: 2q35.
Variant type: single nucleotide variant.
Coding change: c.*175C>G on transcript NM_002181.4 (MANE Select); 175 bases downstream of the stop codon, C replaced by G.
Molecular consequence: 3 prime UTR variant.
Genome position (GRCh38, 1-based): chr2:219,055,032, G>C on the plus strand (C>G on the coding strand, the complement: IHH is on the minus strand). VCF-style: chr2-219055032-G-C. GRCh37 (hg19) VCF-style: chr2-219919754-G-C.
Identifiers: ClinVar variation 334429 (VCV000334429.9), dbSNP rs3099, ClinGen allele CA10614368.

ClinVar aggregate classification (germline): Benign. Review status: criteria provided, multiple submitters, no conflicts (2 of 4 stars). 3 submissions from 3 submitters: Benign (3). Last evaluated 2019-04-10.

Conditions:
Brachydactyly type A1. Also called: FARABEE-TYPE BRACHYDACTYLY; SHORT STATURE WITH NONSPECIFIC SKELETAL ABNORMALITIES 2. Identifiers: Orphanet 93388, MedGen C1862151, MONDO:0007215, OMIM 112500, HP:0009371.

Allele frequency attached by ClinVar (database versions not stated): 1000 Genomes Project 30x 0.41771; 1000 Genomes Project 0.42053; TOPMed 0.48988.
gnomAD v4.1: 406,394 of 682,856 alleles (60%); highest among the groups gnomAD compares: Non-Finnish European, 67%; 128,275 homozygotes.

Submissions (3):

GeneDx
Classification: Benign. Last evaluated: 2019-04-10. Review status: criteria provided, single submitter. Criteria: GeneDx Variant Classification Process June 2021. Collection method: clinical testing. Allele origin: germline. Affected: yes.

Illumina Laboratory Services, Illumina
Classification: Benign for Brachydactyly type A1. Last evaluated: 2018-01-12. Review status: criteria provided, single submitter. Criteria: ICSL Variant Classification Criteria 13 December 2019. Collection method: clinical testing. Allele origin: germline.
Comment: This variant was observed in the ICSL laboratory as part of a predisposition screen in an ostensibly healthy population. It had not been previously curated by ICSL or reported in the Human Gene Mutation Database (HGMD: prior to June 1st, 2018), and was therefore a candidate for classification through an automated scoring system. Utilizing variant allele frequency, disease prevalence and penetrance estimates, and inheritance mode, an automated score was calculated to assess if this variant is too frequent to cause the disease. Based on the score and internal cut-off values, a variant classified as benign is not then subjected to further curation. The score for this variant resulted in a classification of benign for this disease.

Breakthrough Genomics
Classification: Benign. Review status: criteria provided, single submitter. Criteria: ACMG Guidelines, 2015. Collection method: not provided. Allele origin: germline. Inheritance: Autosomal recessive inheritance. Affected: yes.